The following is an entry in ClinVar:

ClinVar aggregate classification (germline): Pathogenic/Likely pathogenic. Review status: criteria provided, multiple submitters, no conflicts (2 of 4 stars). 6 submissions from 6 submitters: Pathogenic (5); Likely pathogenic (1). Last evaluated 2026-10-22.

Conditions:
NEB-related disorder. Also called: NEB-Related Disorders; NEB-related condition.
Arthrogryposis multiplex congenita 6. Identifiers: MedGen C5543431, MONDO:0030281, OMIM 619334.
Nemaline myopathy 2 (NEM2). Also called: Nemaline myopathy 2, autosomal recessive. Identifiers: MedGen C1850569, MONDO:0009725, OMIM 256030.

Submissions (6):

GeneDx
Classification: Pathogenic. Last evaluated: 2026-10-22. Review status: criteria provided, single submitter. Criteria: GeneDx Variant Classification Process June 2021. Collection method: clinical testing. Allele origin: germline.
Comment: Nonsense variant predicted to result in protein truncation or nonsense mediated decay in a gene for which loss of function is a known mechanism of disease; This variant is associated with the following publications: (PMID: 38544359, 33442022)

Natera, Inc.
Classification: Pathogenic for Nemaline myopathy type 2. Last evaluated: 2025-11-12. Review status: criteria provided, single submitter. Criteria: Natera Variant Classification Schema (03/2026). Collection method: clinical testing. Allele origin: germline.
Comment: The c.13147C>T variant in NEB is a nonsense variant predicted to introduce a stop codon at amino acid 4383. This variant is expected to result in nonsense mediated decay, truncation, or a dysfunctional protein product. This variant is rare in the general population with a frequency below the threshold expected for the associated phenotype(s). This variant has been observed in one or more individuals affected with the associated recessive disease, as either homozygous or compound heterozygous with a second variant (PMID: 33442022). Given the available evidence, this variant is classified as Pathogenic.

Labcorp Genetics (formerly Invitae), Labcorp
Classification: Pathogenic for Nemaline myopathy 2. Last evaluated: 2024-03-02. Review status: criteria provided, single submitter. Criteria: Invitae Variant Classification Sherloc (09022015). Collection method: clinical testing. Allele origin: germline.
Comment: This variant occurs in a region of NEB (Exons 82-105) consisting of three highly homologous 8-exon repeat units (exons 82-89, exons 90-97, exons 98-105). Sequence variants in this region can be detected, but this assay cannot determine which of the three repeat units is affected, and zygosity is often ambiguous. All variants in this region are reported relative to the exon 82-89 repeat. This sequence change creates a premature translational stop signal (p.Gln4383*) in the NEB gene. It is expected to result in an absent or disrupted protein product. Loss-of-function variants in NEB are known to be pathogenic (PMID: 25205138). The frequency data for this variant in the population databases (gnomAD) is considered unreliable due to the presence of homologous sequence, such as pseudogenes or paralogs, in the genome. This premature translational stop signal has been observed in individual(s) with clinical features of NEB-related conditions (PMID: 33442022). ClinVar contains an entry for this variant (Variation ID: 813958). For these reasons, this variant has been classified as Pathogenic.

Baylor Genetics
Classification: Pathogenic for Arthrogryposis multiplex congenita 6. Last evaluated: 2024-02-16. Review status: criteria provided, single submitter. Criteria: ACMG Guidelines, 2015. Collection method: clinical testing. Allele origin: unknown.

PreventionGenetics, part of Exact Sciences
Classification: Pathogenic for NEB-related condition. Last evaluated: 2023-10-10. Review status: criteria provided, single submitter. Criteria: ACMG Guidelines, 2015. Collection method: clinical testing. Allele origin: germline.
Comment: The NEB c.13147C>T variant is predicted to result in premature protein termination (p.Gln4383*). This variant was reported in the compound heterozygous state in an individual with nemaline myopathy 2 (Tolusso et al 2021. PubMed ID: 33442022). This variant has not been reported in a large population database, indicating this variant is rare. Nonsense variants in NEB are expected to be pathogenic. This variant is interpreted as pathogenic.

Broad Center for Mendelian Genomics, Broad Institute of MIT and Harvard
Classification: Likely pathogenic for Nemaline myopathy 2. Last evaluated: 2018-12-03. Review status: criteria provided, single submitter. Criteria: ACMG Guidelines, 2015. Collection method: research. Allele origin: germline. Inheritance: Autosomal recessive inheritance. Affected: yes.
Comment: This variant was absent from large population studies. This nonsense variant leads to a premature termination codon at position 4383, which is predicted to lead to a truncated or absent protein. Loss of function of the NEB gene is an established disease mechanism for autosomal recessive nemaline myopathy. In summary, although additional studies are required to fully establish clinical significance, the p.Gln4383Ter variant is likely pathogenic. ACMG/AMP Criteria applied: PM2, PVS1 (Richards 2015).

Literature cited by the submitters: PubMed 33442022 (cited by Natera, Inc. and Labcorp Genetics (formerly Invitae), Labcorp); PubMed 25205138 (cited by Labcorp Genetics (formerly Invitae), Labcorp).

NM_001164508.2(NEB):c.13147C>T (p.Gln4383Ter)

Gene: NEB (nebulin; minus strand). Cytogenetic location: 2q23.3.
Variant type: single nucleotide variant.
Coding change: c.13147C>T on transcript NM_001164508.2 (MANE Select); coding-DNA position 13147, C replaced by T.
Protein change: p.Gln4383Ter; replaces glutamine 4383 with a stop codon.
Molecular consequence: nonsense. On other transcripts: intron variant (1).
Genome position (GRCh38, 1-based): chr2:151,603,685, G>A on the plus strand (C>T on the coding strand, the complement: NEB is on the minus strand). VCF-style: chr2-151603685-G-A. GRCh37 (hg19) VCF-style: chr2-152460199-G-A.
Other names: c.13147C>T, p.Gln4383Ter (NM_001164507.2, NM_001271208.2); c.11601+6124C>T (NM_004543.5); short protein forms Q4383*.
Identifiers: ClinVar variation 813958 (VCV000813958.16), dbSNP rs1212374733, ClinGen allele CA348772320.